The following is an entry in ClinVar:

NM_003482.4(KMT2D):c.12606A>C (p.Gln4202His)

Gene: KMT2D (lysine methyltransferase 2D; minus strand). Cytogenetic location: 12q13.12.
Variant type: single nucleotide variant.
Coding change: c.12606A>C on transcript NM_003482.4 (MANE Select); coding-DNA position 12606, A replaced by C.
Protein change: p.Gln4202His; replaces glutamine 4202 with histidine.
Molecular consequence: missense variant.
Genome position (GRCh38, 1-based): chr12:49,032,099, T>G on the plus strand (A>C on the coding strand, the complement: KMT2D is on the minus strand). VCF-style: chr12-49032099-T-G. GRCh37 (hg19) VCF-style: chr12-49425882-T-G.
Other names: short protein forms Q4202H.
Identifiers: ClinVar variation 2046460 (VCV002046460.4), dbSNP rs892898074, ClinGen allele CA384710516.
Genomic context (GRCh38, chr12:49,032,099, plus strand): 5'-TAGCTGCTGCTGCTGCTGAGGACTTAAGTGCCGCAGCTGTGGGTTTTTGGCCAGGACTCC[T>G]TGGAGCTGTGCTCGAAGCTGACCCACCGTAGGCATGATTCCAACCCCAGGCAGACCCTGC-3'
Protein context (NP_003473.3, residues 4192-4212): PTVGQLRAQL[Gln4202His]GVLAKNPQLR

ClinVar aggregate classification (germline): Uncertain significance (1 of 4 stars; one submission).

Conditions:
Kabuki syndrome. Also called: NIIKAWA-KUROKI SYNDROME; Kabuki make-up syndrome. Identifiers: Orphanet 2322, MedGen C0796004, MONDO:0016512.

Submission:

Labcorp Genetics (formerly Invitae), Labcorp
Classification: Uncertain significance for Kabuki syndrome. Last evaluated: 2022-08-10. Review status: criteria provided, single submitter. Criteria: Invitae Variant Classification Sherloc (09022015). Collection method: clinical testing. Allele origin: germline.
Comment: In summary, the available evidence is currently insufficient to determine the role of this variant in disease. Therefore, it has been classified as a Variant of Uncertain Significance. Advanced modeling of protein sequence and biophysical properties (such as structural, functional, and spatial information, amino acid conservation, physicochemical variation, residue mobility, and thermodynamic stability) performed at Invitae indicates that this missense variant is not expected to disrupt KMT2D protein function. This variant has not been reported in the literature in individuals affected with KMT2D-related conditions. This variant is not present in population databases (gnomAD no frequency). This sequence change replaces glutamine, which is neutral and polar, with histidine, which is basic and polar, at codon 4202 of the KMT2D protein (p.Gln4202His).